The following is an entry in ClinVar:

NM_152564.5(VPS13B):c.5312T>C (p.Ile1771Thr)

Gene: VPS13B (vacuolar protein sorting 13 homolog B; plus strand). Cytogenetic location: 8q22.2.
Variant type: single nucleotide variant.
Coding change: c.5312T>C on transcript NM_152564.5 (MANE Select); coding-DNA position 5312, T replaced by C.
Protein change: p.Ile1771Thr; replaces isoleucine 1771 with threonine.
Molecular consequence: missense variant.
Genome position (GRCh38, 1-based): chr8:99,641,902, T>C. VCF-style: chr8-99641902-T-C. GRCh37 (hg19) VCF-style: chr8-100654130-T-C.
Other names: c.5387T>C, p.Ile1796Thr (NM_017890.5); short protein forms I1796T, I1771T.
Identifiers: ClinVar variation 1747200 (VCV001747200.2), dbSNP rs769873252, ClinGen allele CA4823804.

ClinVar aggregate classification (germline): Uncertain significance (1 of 4 stars; one submission).

Conditions:
Inborn genetic diseases. Identifiers: MedGen C0950123, MeSH D030342.

Allele frequency attached by ClinVar (database versions not stated): gnomAD exomes below 0.00001; ExAC 0.00001.
gnomAD v4.1: 1 of 1,614,098 alleles (0.000062%); highest among the groups gnomAD compares: Admixed American, 0.0017%; no homozygotes.

Submission:

Ambry Genetics
Classification: Uncertain significance for Inborn genetic diseases. Last evaluated: 2020-01-22. Review status: criteria provided, single submitter. Criteria: Ambry Variant Classification Scheme 2023. Collection method: clinical testing. Allele origin: germline.
Comment: The p.I1796T variant (also known as c.5387T>C), located in coding exon 33 of the VPS13B gene, results from a T to C substitution at nucleotide position 5387. The isoleucine at codon 1796 is replaced by threonine, an amino acid with similar properties. This amino acid position is well conserved in available vertebrate species. In addition, the in silico prediction for this alteration is inconclusive. Since supporting evidence is limited at this time, the clinical significance of this alteration remains unclear. Since supporting evidence is limited at this time, the clinical significance of this alteration remains unclear.